The following is an entry in ClinVar:

NM_001165963.4(SCN1A):c.5152T>C (p.Phe1718Leu)

Genes: SCN1A (sodium voltage-gated channel alpha subunit 1; minus strand), LOC102724058 (uncharacterized LOC102724058; plus strand). Cytogenetic location: 2q24.3.
Variant type: single nucleotide variant.
Coding change: c.5152T>C on transcript NM_001165963.4 (MANE Select); coding-DNA position 5152, T replaced by C.
Protein change: p.Phe1718Leu; replaces phenylalanine 1718 with leucine.
Molecular consequence: missense variant. On other transcripts: non-coding transcript variant (1).
Genome position (GRCh38, 1-based): chr2:165,992,123, A>G on the plus strand (T>C on the coding strand, the complement: SCN1A is on the minus strand). VCF-style: chr2-165992123-A-G. GRCh37 (hg19) VCF-style: chr2-166848633-A-G.
Other names: c.5119T>C, p.Phe1707Leu (NM_001353952.2, NM_006920.6, NM_001353949.2 and 2 more transcripts); c.5116T>C, p.Phe1706Leu (NM_001353954.2, NM_001353955.2); c.5068T>C, p.Phe1690Leu (NM_001353957.2, NM_001353958.2, NM_001165964.3); c.5065T>C, p.Phe1689Leu (NM_001353960.2); c.2710T>C, p.Phe904Leu (NM_001353961.2); c.5152T>C, p.Phe1718Leu (NM_001202435.3, NM_001353948.2); short protein forms F1707L, F1689L, F1706L, F904L, F1690L, F1718L.
Identifiers: ClinVar variation 2759841 (VCV002759841.3), dbSNP rs2468336690, ClinGen allele CA349068901.

ClinVar aggregate classification (germline): Uncertain significance (1 of 4 stars; one submission).

Conditions:
Early-infantile DEE. Also called: Ohtahara syndrome; Early infantile epileptic encephalopathy; Early infantile epileptic encephalopathy with suppression bursts. Identifiers: Orphanet 1934, MedGen C0393706, MONDO:0800491.

Submission:

Labcorp Genetics (formerly Invitae), Labcorp
Classification: Uncertain significance for Early-infantile DEE. Last evaluated: 2023-09-10. Review status: criteria provided, single submitter. Criteria: Invitae Variant Classification Sherloc (09022015). Collection method: clinical testing. Allele origin: germline.
Comment: This variant is not present in population databases (gnomAD no frequency). This sequence change replaces phenylalanine, which is neutral and non-polar, with leucine, which is neutral and non-polar, at codon 1718 of the SCN1A protein (p.Phe1718Leu). In summary, the available evidence is currently insufficient to determine the role of this variant in disease. Therefore, it has been classified as a Variant of Uncertain Significance. Advanced modeling of protein sequence and biophysical properties (such as structural, functional, and spatial information, amino acid conservation, physicochemical variation, residue mobility, and thermodynamic stability) performed at Invitae indicates that this missense variant is expected to disrupt SCN1A protein function. This variant has not been reported in the literature in individuals affected with SCN1A-related conditions.